The following is an entry in ClinVar:

ClinVar aggregate classification (germline): Uncertain significance (1 of 4 stars; one submission).

gnomAD v4.1: 40 of 1,612,568 alleles (0.0025%); highest among the groups gnomAD compares: South Asian, 0.0033%; no homozygotes.

Submission:

Labcorp Genetics (formerly Invitae), Labcorp
Classification: Uncertain significance. Last evaluated: 2022-04-01. Review status: criteria provided, single submitter. Criteria: Invitae Variant Classification Sherloc (09022015). Collection method: clinical testing. Allele origin: germline.
Comment: This sequence change replaces valine, which is neutral and non-polar, with methionine, which is neutral and non-polar, at codon 126 of the SLC34A3 protein (p.Val126Met). This variant is present in population databases (rs376681513, gnomAD 0.007%). This variant has not been reported in the literature in individuals affected with SLC34A3-related conditions. Algorithms developed to predict the effect of missense changes on protein structure and function are either unavailable or do not agree on the potential impact of this missense change (SIFT: "Tolerated"; PolyPhen-2: "Probably Damaging"; Align-GVGD: "Class C0"). In summary, the available evidence is currently insufficient to determine the role of this variant in disease. Therefore, it has been classified as a Variant of Uncertain Significance.

NM_001177316.2(SLC34A3):c.376G>A (p.Val126Met)

Gene: SLC34A3 (solute carrier family 34 member 3; plus strand). Cytogenetic location: 9q34.3.
Variant type: single nucleotide variant.
Coding change: c.376G>A on transcript NM_001177316.2 (MANE Select); coding-DNA position 376, G replaced by A.
Protein change: p.Val126Met; replaces valine 126 with methionine.
Molecular consequence: missense variant.
Genome position (GRCh38, 1-based): chr9:137,232,855, G>A. VCF-style: chr9-137232855-G-A. GRCh37 (hg19) VCF-style: chr9-140127307-G-A.
Other names: c.376G>A, p.Val126Met (NM_001177317.2, NM_080877.3); short protein forms V126M.
Identifiers: ClinVar variation 1489397 (VCV001489397.5), dbSNP rs376681513, ClinGen allele CA201693683.
Genomic context (GRCh38, chr9:137,232,855, plus strand): 5'-GGAGACATCTTCAAGGACAACGTGGTGCTGTCCAACCCTGTGGCTGGACTGGTCATTGGC[G>A]TGCTGGTCACAGCCCTGGTGCAGAGTTCCAGCACGTCCTCCTCCATCGTGGTCAGCATGG-3'
Protein context (NP_001170787.2, residues 116-136): SNPVAGLVIG[Val126Met]LVTALVQSSS